The following is an entry in ClinVar:

NM_003183.6(ADAM17):c.446T>C (p.Ile149Thr)

Gene: ADAM17 (ADAM metallopeptidase domain 17; minus strand). Cytogenetic location: 2p25.1.
Variant type: single nucleotide variant.
Coding change: c.446T>C on transcript NM_003183.6 (MANE Select); coding-DNA position 446, T replaced by C.
Protein change: p.Ile149Thr; replaces isoleucine 149 with threonine.
Molecular consequence: missense variant.
Genome position (GRCh38, 1-based): chr2:9,535,838, A>G on the plus strand (T>C on the coding strand, the complement: ADAM17 is on the minus strand). VCF-style: chr2-9535838-A-G. GRCh37 (hg19) VCF-style: chr2-9675967-A-G.
Other names: short protein forms I149T.
Identifiers: ClinVar variation 844850 (VCV000844850.9), dbSNP rs1664939081, ClinGen allele CA345785587.

ClinVar aggregate classification (germline): Uncertain significance (1 of 4 stars; one submission).

Conditions:
Inflammatory skin and bowel disease, neonatal, 1. Identifiers: Orphanet 294023, MedGen C3280501, MONDO:0013693, OMIM 614328.

gnomAD v4.1: 2 of 1,590,092 alleles (0.00013%); highest among the groups gnomAD compares: Non-Finnish European, 0.00017%; no homozygotes.

Submission:

Labcorp Genetics (formerly Invitae), Labcorp
Classification: Uncertain significance for Inflammatory skin and bowel disease, neonatal, 1. Last evaluated: 2022-08-16. Review status: criteria provided, single submitter. Criteria: Invitae Variant Classification Sherloc (09022015). Collection method: clinical testing. Allele origin: germline.
Comment: This sequence change replaces isoleucine, which is neutral and non-polar, with threonine, which is neutral and polar, at codon 149 of the ADAM17 protein (p.Ile149Thr). This variant is not present in population databases (gnomAD no frequency). This variant has not been reported in the literature in individuals affected with ADAM17-related conditions. ClinVar contains an entry for this variant (Variation ID: 844850). Algorithms developed to predict the effect of missense changes on protein structure and function are either unavailable or do not agree on the potential impact of this missense change (SIFT: "Not Available"; PolyPhen-2: "Possibly Damaging"; Align-GVGD: "Not Available"). In summary, the available evidence is currently insufficient to determine the role of this variant in disease. Therefore, it has been classified as a Variant of Uncertain Significance.